The following is an entry in ClinVar:

NM_014946.4(SPAST):c.379A>G (p.Ile127Val)

Gene: SPAST (spastin; plus strand). Cytogenetic location: 2p22.3.
Variant type: single nucleotide variant.
Coding change: c.379A>G on transcript NM_014946.4 (MANE Select); coding-DNA position 379, A replaced by G.
Protein change: p.Ile127Val; replaces isoleucine 127 with valine.
Molecular consequence: missense variant.
Genome position (GRCh38, 1-based): chr2:32,064,210, A>G. VCF-style: chr2-32064210-A-G. GRCh37 (hg19) VCF-style: chr2-32289279-A-G.
Other names: c.379A>G, p.Ile127Val (NM_001363823.2, NM_001363875.2, NM_001377959.1 and 1 more transcripts); short protein forms I127V.
Identifiers: ClinVar variation 1496763 (VCV001496763.6), dbSNP rs1395313104, ClinGen allele CA346602439.
Genomic context (GRCh38, chr2:32,064,210, plus strand): 5'-CCGGTGCCGGGCGGCGAGGCCGAGCGCGTCCGAGTCTTCCACAAACAGGCCTTCGAGTAC[A>G]TCTCCATTGCCCTGCGCATCGATGAGGATGAGAAAGGTAACTAGGGGGCTGGGGGAGGGG-3'
Protein context (NP_055761.2, residues 117-137): RVFHKQAFEY[Ile127Val]SIALRIDEDE

ClinVar aggregate classification (germline): Uncertain significance (1 of 4 stars; one submission).

Conditions:
Hereditary spastic paraplegia 4. Also called: Spastic Paraplegia 4; Spastic paraplegia 4, autosomal dominant; Familial spastic paraplegia autosomal dominant 2. Identifiers: Orphanet 100985, MedGen C1866855, MONDO:0008438, OMIM 182601.

Allele frequency attached by ClinVar (database versions not stated): TOPMed below 0.00001.
gnomAD v4.1: 3 of 1,546,306 alleles (0.00019%); highest among the groups gnomAD compares: Admixed American, 0.002%; no homozygotes.

Submission:

Labcorp Genetics (formerly Invitae), Labcorp
Classification: Uncertain significance for Hereditary spastic paraplegia 4. Last evaluated: 2025-03-18. Review status: criteria provided, single submitter. Criteria: Invitae Variant Classification Sherloc (09022015). Collection method: clinical testing. Allele origin: germline.
Comment: This sequence change replaces isoleucine, which is neutral and non-polar, with valine, which is neutral and non-polar, at codon 127 of the SPAST protein (p.Ile127Val). The frequency data for this variant in the population databases is considered unreliable, as metrics indicate poor data quality at this position in the gnomAD database. This variant has not been reported in the literature in individuals affected with SPAST-related conditions. ClinVar contains an entry for this variant (Variation ID: 1496763). Invitae Evidence Modeling of protein sequence and biophysical properties (such as structural, functional, and spatial information, amino acid conservation, physicochemical variation, residue mobility, and thermodynamic stability) has been performed for this missense variant. However, the output from this modeling did not meet the statistical confidence thresholds required to predict the impact of this variant on SPAST protein function. In summary, the available evidence is currently insufficient to determine the role of this variant in disease. Therefore, it has been classified as a Variant of Uncertain Significance.